The following is an entry in ClinVar:

NM_013254.4(TBK1):c.359-1G>A

Gene: TBK1 (TANK binding kinase 1; plus strand). Cytogenetic location: 12q14.2.
Variant type: single nucleotide variant.
Coding change: c.359-1G>A on transcript NM_013254.4 (MANE Select); the canonical splice acceptor site of the intron before coding-DNA position 359, G replaced by A.
Molecular consequence: splice acceptor variant.
Genome position (GRCh38, 1-based): chr12:64,466,900, G>A. VCF-style: chr12-64466900-G-A. GRCh37 (hg19) VCF-style: chr12-64860680-G-A.
Identifiers: ClinVar variation 4874126 (VCV004874126.2).

ClinVar aggregate classification (germline): Pathogenic (1 of 4 stars; one submission).

Submission:

CeGaT Center for Human Genetics Tuebingen
Classification: Pathogenic. Last evaluated: 2026-06-01. Review status: criteria provided, single submitter. Criteria: CeGaT Center For Human Genetics Tuebingen Variant Classification Criteria Version 2. Collection method: clinical testing. Allele origin: germline. Affected: yes. Observed: 1 variant allele.
Comment: TBK1: PVS1, PM2, PS4:Supporting